The following is an entry in ClinVar:

NM_000232.5(SGCB):c.716T>C (p.Ile239Thr)

Gene: SGCB (sarcoglycan beta; minus strand). Cytogenetic location: 4q12.
Variant type: single nucleotide variant.
Coding change: c.716T>C on transcript NM_000232.5 (MANE Select); coding-DNA position 716, T replaced by C.
Protein change: p.Ile239Thr; replaces isoleucine 239 with threonine.
Molecular consequence: missense variant.
Genome position (GRCh38, 1-based): chr4:52,028,005, A>G on the plus strand (T>C on the coding strand, the complement: SGCB is on the minus strand). VCF-style: chr4-52028005-A-G. GRCh37 (hg19) VCF-style: chr4-52894171-A-G.
Other names: short protein forms I239T.
Identifiers: ClinVar variation 935727 (VCV000935727.10), dbSNP rs759966387, ClinGen allele CA2918313.

ClinVar aggregate classification (germline): Uncertain significance. Review status: criteria provided, multiple submitters, no conflicts (2 of 4 stars). 4 submissions from 4 submitters: Uncertain significance (3). 1 of the submissions does not count toward it. Last evaluated 2025-11-01.

Conditions:
Autosomal recessive limb-girdle muscular dystrophy type 2E (LGMDR4). Also called: MUSCULAR DYSTROPHY, LIMB-GIRDLE, AUTOSOMAL RECESSIVE 4. Identifiers: Orphanet 119, MedGen C1858593, MONDO:0011423, OMIM 604286. Disease mechanism: Affects gamma-sarcoglycan and also disrupts the integrity of the entire sarcoglycan complex..
Inborn genetic diseases. Identifiers: MedGen C0950123, MeSH D030342.

Allele frequency attached by ClinVar (database versions not stated): gnomAD exomes below 0.00001 and 0.00001; ExAC 0.00001.

Submissions (4):

Labcorp Genetics (formerly Invitae), Labcorp
Classification: Uncertain significance for Autosomal recessive limb-girdle muscular dystrophy type 2E. Last evaluated: 2025-11-01. Review status: criteria provided, single submitter. Criteria: Invitae Variant Classification Sherloc (09022015). Collection method: clinical testing. Allele origin: germline.
Comment: This sequence change replaces isoleucine, which is neutral and non-polar, with threonine, which is neutral and polar, at codon 239 of the SGCB protein (p.Ile239Thr). This variant is present in population databases (rs759966387, gnomAD 0.003%). This missense change has been observed in individual(s) with SGCB-related conditions (PMID: 39678382). ClinVar contains an entry for this variant (Variation ID: 935727). Invitae Evidence Modeling of protein sequence and biophysical properties (such as structural, functional, and spatial information, amino acid conservation, physicochemical variation, residue mobility, and thermodynamic stability) indicates that this missense variant is not expected to disrupt SGCB protein function with a negative predictive value of 80%. In summary, the available evidence is currently insufficient to determine the role of this variant in disease. Therefore, it has been classified as a Variant of Uncertain Significance.

Myriad Genetics, Inc.
Classification: Uncertain significance for Autosomal recessive limb-girdle muscular dystrophy type 2E. Last evaluated: 2025-09-22. Review status: criteria provided, single submitter. Criteria: Myriad Autosomal Dominant, Autosomal Recessive and X-Linked Classification Criteria (2023). Collection method: clinical testing. Allele origin: unknown.
Comment: NM_000232.4(SGCB):c.716T>C(I239T) is a missense variant classified as a variant of uncertain significance in the context of beta-sarcoglycanopathy. I239T has not been observed in cases with relevant disease. Relevant functional assessments of this variant are available in the literature (PMID: 37317698). I239T has been observed in referenced population frequency databases. In summary, there is insufficient evidence to classify NM_000232.4(SGCB):c.716T>C(I239T) as pathogenic or benign. Please note: this variant was assessed in the context of healthy population screening.

Ambry Genetics
Classification: Uncertain significance for Inborn genetic diseases. Last evaluated: 2022-08-01. Review status: criteria provided, single submitter. Criteria: Ambry Variant Classification Scheme 2023. Collection method: clinical testing. Allele origin: germline.

Natera, Inc.
Classification: Uncertain significance for Limb-girdle muscular dystrophy type 2E. Last evaluated: 2020-03-05. Review status: no assertion criteria provided. Collection method: clinical testing. Allele origin: germline. Not counted in ClinVar's aggregate classification.

Literature cited by the submitters: PubMed 39678382 (cited by Labcorp Genetics (formerly Invitae), Labcorp); PubMed 37317698 (cited by Myriad Genetics, Inc.).